The following is an entry in ClinVar:

ClinVar aggregate classification (germline): Uncertain significance (1 of 4 stars; one submission).

Submission:

GeneDx
Classification: Uncertain significance. Last evaluated: 2024-01-07. Review status: criteria provided, single submitter. Criteria: GeneDx Variant Classification Process June 2021. Collection method: clinical testing. Allele origin: germline. Affected: yes.
Comment: Not observed at significant frequency in large population cohorts (gnomAD); In silico analysis supports that this missense variant has a deleterious effect on protein structure/function; Has not been previously published as pathogenic or benign to our knowledge

NM_022893.4(BCL11A):c.136C>G (p.Leu46Val)

Gene: BCL11A (BCL11 transcription factor A; minus strand). Cytogenetic location: 2p16.1.
Variant type: single nucleotide variant.
Coding change: c.136C>G on transcript NM_022893.4 (MANE Select); coding-DNA position 136, C replaced by G.
Protein change: p.Leu46Val; replaces leucine 46 with valine.
Molecular consequence: missense variant. On other transcripts: 5 prime UTR variant (20).
Genome position (GRCh38, 1-based): chr2:60,546,220, G>C on the plus strand (C>G on the coding strand, the complement: BCL11A is on the minus strand). VCF-style: chr2-60546220-G-C. GRCh37 (hg19) VCF-style: chr2-60773355-G-C.
Other names: c.136C>G, p.Leu46Val (NM_001363864.1, NM_001365609.1, NM_001405708.1 and 10 more transcripts); c.-21C>G (NM_001405713.1, NM_001405714.1, NM_001405715.1 and 10 more transcripts); c.-290C>G (NM_001405720.1, NM_001405721.1); c.-540C>G (NM_001405725.1, NM_001405726.1, NM_001405731.1); c.-397C>G (NM_001405727.1, NM_001405728.1); short protein forms L46V.
Identifiers: ClinVar variation 3367581 (VCV003367581.1).